The following is an entry in ClinVar:

NM_006514.4(SCN10A):c.5096T>A (p.Ile1699Asn)

Gene: SCN10A (sodium voltage-gated channel alpha subunit 10; minus strand). Cytogenetic location: 3p22.2.
Variant type: single nucleotide variant.
Coding change: c.5096T>A on transcript NM_006514.4 (MANE Select); coding-DNA position 5096, T replaced by A.
Protein change: p.Ile1699Asn; replaces isoleucine 1699 with asparagine.
Molecular consequence: missense variant.
Genome position (GRCh38, 1-based): chr3:38,698,124, A>T on the plus strand (T>A on the coding strand, the complement: SCN10A is on the minus strand). VCF-style: chr3-38698124-A-T. GRCh37 (hg19) VCF-style: chr3-38739615-A-T.
Other names: c.5093T>A, p.Ile1698Asn (NM_001293306.2); c.4802T>A, p.Ile1601Asn (NM_001293307.2); short protein forms I1698N, I1699N, I1601N.
Identifiers: ClinVar variation 4769881 (VCV004769881.1).

ClinVar aggregate classification (germline): Uncertain significance (1 of 4 stars; one submission).

Conditions:
Brugada syndrome. Also called: Sudden unexpected nocturnal death syndrome; Sudden Unexplained Death Syndrome; Sudden Unexplained Nocturnal Death Syndrome (SUNDS); Sudden unexplained nocturnal death syndrome. Identifiers: Orphanet 130, MedGen C1142166, MONDO:0015263.

gnomAD v4.1: 1 of 1,613,968 alleles (0.000062%); highest among the groups gnomAD compares: Non-Finnish European, 0.000085%; no homozygotes.

Submission:

Labcorp Genetics (formerly Invitae), Labcorp
Classification: Uncertain significance for Brugada syndrome. Last evaluated: 2025-12-03. Review status: criteria provided, single submitter. Criteria: Invitae Variant Classification Sherloc (09022015). Collection method: clinical testing. Allele origin: germline.
Comment: This sequence change replaces isoleucine, which is neutral and non-polar, with asparagine, which is neutral and polar, at codon 1699 of the SCN10A protein (p.Ile1699Asn). This variant is not present in population databases (gnomAD no frequency). This variant has not been reported in the literature in individuals affected with SCN10A-related conditions. Invitae Evidence Modeling of protein sequence and biophysical properties (such as structural, functional, and spatial information, amino acid conservation, physicochemical variation, residue mobility, and thermodynamic stability) has been performed for this missense variant. However, the output from this modeling did not meet the statistical confidence thresholds required to predict the impact of this variant on SCN10A protein function. In summary, the available evidence is currently insufficient to determine the role of this variant in disease. Therefore, it has been classified as a Variant of Uncertain Significance.